The following is an entry in ClinVar:

NC_000011.9:g.(?_121500185)_(121500272_?)del

Gene: SORL1 (sortilin related receptor 1; plus strand). Cytogenetic location: 11q24.1.
Variant type: Deletion.
Identifiers: ClinVar variation 3244748 (VCV003244748.1).

ClinVar aggregate classification (germline): Uncertain significance (1 of 4 stars; one submission).

Submission:

Labcorp Genetics (formerly Invitae), Labcorp
Classification: Uncertain significance. Last evaluated: 2023-04-22. Review status: criteria provided, single submitter. Criteria: Invitae Variant Classification Sherloc (09022015). Collection method: clinical testing. Allele origin: unknown.
Comment: In summary, the available evidence is currently insufficient to determine the role of this variant in disease. Therefore, it has been classified as a Variant of Uncertain Significance. This variant has not been reported in the literature in individuals affected with SORL1-related conditions. This variant is a gross deletion of the genomic region encompassing exon(s) 48 of the SORL1 gene, which includes the termination codon. This deletion extends beyond the assayed region for this gene and therefore may encompass additional genes. While this deletion is not anticipated to lead to nonsense mediated decay, it is expected to alter mRNA translation or result in a truncated protein product.